The following is an entry in ClinVar:

ClinVar aggregate classification (germline): Likely benign (1 of 4 stars; one submission).

Conditions:
DVL1-related disorder. Also called: DVL1-related condition.

gnomAD v4.1: 2 of 1,613,914 alleles (0.00012%); highest among the groups gnomAD compares: East Asian, 0.0022%; no homozygotes.

Submission:

PreventionGenetics, part of Exact Sciences
Classification: Likely benign for DVL1-related condition. Last evaluated: 2026-05-29. Review status: criteria provided, single submitter. Criteria: ACMG Guidelines, 2015. Collection method: clinical testing. Allele origin: germline.
Comment: This variant is classified as likely benign based on ACMG/AMP sequence variant interpretation guidelines (Richards et al. 2015 PMID: 25741868, with internal and published modifications).

NM_001330311.2(DVL1):c.700-4A>G

Gene: DVL1 (dishevelled segment polarity protein 1; minus strand). Cytogenetic location: 1p36.33.
Variant type: single nucleotide variant.
Coding change: c.700-4A>G on transcript NM_001330311.2 (MANE Select); 4 bases into the intron before coding-DNA position 700, A replaced by G.
Molecular consequence: intron variant.
Genome position (GRCh38, 1-based): chr1:1,340,320, T>C on the plus strand (A>G on the coding strand, the complement: DVL1 is on the minus strand). VCF-style: chr1-1340320-T-C. GRCh37 (hg19) VCF-style: chr1-1275700-T-C.
Other names: c.700-4A>G (NM_004421.3).
Identifiers: ClinVar variation 4983934 (VCV004983934.1).